The following is an entry in ClinVar:

NM_001204.7(BMPR2):c.2645G>T (p.Gly882Val)

Gene: BMPR2 (bone morphogenetic protein receptor type 2; plus strand). Cytogenetic location: 2q33.2.
Variant type: single nucleotide variant.
Coding change: c.2645G>T on transcript NM_001204.7 (MANE Select); coding-DNA position 2645, G replaced by T.
Protein change: p.Gly882Val; replaces glycine 882 with valine.
Molecular consequence: missense variant.
Genome position (GRCh38, 1-based): chr2:202,556,310, G>T. VCF-style: chr2-202556310-G-T. GRCh37 (hg19) VCF-style: chr2-203421033-G-T.
Other names: short protein forms G882V.
Identifiers: ClinVar variation 895485 (VCV000895485.5), dbSNP rs777302843, ClinGen allele CA350349206.
Genomic context (GRCh38, chr2:202,556,310, plus strand): 5'-CCAGTCCTGATGAGCATGAGCCTTTACTGAGACGAGAGCAACAAGCTGGCCATGATGAAG[G>T]TGTTCTGGATCGTCTTGTGGACAGGAGGGAACGGCCACTAGAAGGTGGCCGAACTAATTC-3'
Protein context (NP_001195.2, residues 872-892): RREQQAGHDE[Gly882Val]VLDRLVDRRE

ClinVar aggregate classification (germline): Uncertain significance. Review status: criteria provided, multiple submitters, no conflicts (2 of 4 stars). 2 submissions from 2 submitters: Uncertain significance (2). Last evaluated 2025-02-15.

Conditions:
Pulmonary hypertension, primary, 1 (PPH1). Also called: Pulmonary hypertension, familial primary, 1, with or without HHT. Identifiers: Orphanet 422, MedGen C4552070, MONDO:0024533, OMIM 178600.
Inborn genetic diseases. Identifiers: MedGen C0950123, MeSH D030342.

gnomAD v4.1: 5 of 1,614,228 alleles (0.00031%); highest among the groups gnomAD compares: East Asian, 0.011%; no homozygotes.

Submissions (2):

Ambry Genetics
Classification: Uncertain significance for Inborn genetic diseases. Last evaluated: 2025-02-15. Review status: criteria provided, single submitter. Criteria: Ambry Variant Classification Scheme 2023. Collection method: clinical testing. Allele origin: germline.
Comment: The p.G882V variant (also known as c.2645G>T), located in coding exon 12 of the BMPR2 gene, results from a G to T substitution at nucleotide position 2645. The glycine at codon 882 is replaced by valine, an amino acid with dissimilar properties. This amino acid position is conserved. In addition, the in silico prediction for this alteration is inconclusive. Based on the available evidence, the clinical significance of this variant remains unclear.

Illumina Laboratory Services, Illumina
Classification: Uncertain significance for Pulmonary hypertension, primary, 1. Last evaluated: 2018-01-13. Review status: criteria provided, single submitter. Criteria: ICSL Variant Classification Criteria 13 December 2019. Collection method: clinical testing. Allele origin: germline.